The following is an entry in ClinVar:

ClinVar aggregate classification (germline): Uncertain significance (1 of 4 stars; one submission).

Conditions:
Neuronopathy, distal hereditary motor, autosomal recessive 4. Also called: NEUROPATHY, DISTAL HEREDITARY MOTOR, AUTOSOMAL RECESSIVE 4; Autosomal recessive lower motor neuron disease with childhood onset. Identifiers: Orphanet 206580, MedGen C1970211, MONDO:0012608, OMIM 611067.
Charcot-Marie-Tooth disease recessive intermediate C. Also called: CHARCOT-MARIE-TOOTH NEUROPATHY, RECESSIVE INTERMEDIATE C. Identifiers: Orphanet 369867, MedGen C3809309, MONDO:0014154, OMIM 615376.

Submission:

Labcorp Genetics (formerly Invitae), Labcorp
Classification: Uncertain significance for Neuronopathy, distal hereditary motor, autosomal recessive 4; Charcot-Marie-Tooth disease recessive intermediate C. Last evaluated: 2024-09-02. Review status: criteria provided, single submitter. Criteria: Invitae Variant Classification Sherloc (09022015). Collection method: clinical testing. Allele origin: germline.
Comment: This sequence change replaces cysteine, which is neutral and slightly polar, with phenylalanine, which is neutral and non-polar, at codon 813 of the PLEKHG5 protein (p.Cys813Phe). This variant is not present in population databases (gnomAD no frequency). This variant has not been reported in the literature in individuals affected with PLEKHG5-related conditions. An algorithm developed to predict the effect of missense changes on protein structure and function (PolyPhen-2) suggests that this variant is likely to be tolerated. In summary, the available evidence is currently insufficient to determine the role of this variant in disease. Therefore, it has been classified as a Variant of Uncertain Significance.

NM_020631.6(PLEKHG5):c.2438G>T (p.Cys813Phe)

Gene: PLEKHG5 (pleckstrin homology and RhoGEF domain containing G5; minus strand). Cytogenetic location: 1p36.31.
Variant type: single nucleotide variant.
Coding change: c.2438G>T on transcript NM_020631.6 (MANE Select); coding-DNA position 2438, G replaced by T.
Protein change: p.Cys813Phe; replaces cysteine 813 with phenylalanine.
Molecular consequence: missense variant.
Genome position (GRCh38, 1-based): chr1:6,468,398, C>A on the plus strand (G>T on the coding strand, the complement: PLEKHG5 is on the minus strand). VCF-style: chr1-6468398-C-A. GRCh37 (hg19) VCF-style: chr1-6528458-C-A.
Other names: c.2549G>T, p.Cys850Phe (NM_001042663.3, NM_001265592.2); c.2438G>T, p.Cys813Phe (NM_001042664.2, NM_001042665.2, NM_001265594.3 and 1 more transcripts); c.2645G>T, p.Cys882Phe (NM_001265593.2); short protein forms C813F, C850F, C882F.
Identifiers: ClinVar variation 3763677 (VCV003763677.2).